The following is an entry in ClinVar:

NM_001040108.2(MLH3):c.3325C>T (p.Pro1109Ser)

Gene: MLH3 (mutL homolog 3; minus strand). Cytogenetic location: 14q24.3.
Variant type: single nucleotide variant.
Coding change: c.3325C>T on transcript NM_001040108.2 (MANE Select); coding-DNA position 3325, C replaced by T.
Protein change: p.Pro1109Ser; replaces proline 1109 with serine.
Molecular consequence: missense variant.
Genome position (GRCh38, 1-based): chr14:75,042,433, G>A on the plus strand (C>T on the coding strand, the complement: MLH3 is on the minus strand). VCF-style: chr14-75042433-G-A. GRCh37 (hg19) VCF-style: chr14-75509136-G-A.
Other names: p.Pro1109Ser; c.3325C>T, p.Pro1109Ser (NM_014381.3); short protein forms P1109S.
Identifiers: ClinVar variation 1469302 (VCV001469302.11), dbSNP rs140997957, ClinGen allele CA7275533.

ClinVar aggregate classification (germline): Uncertain significance. Review status: criteria provided, multiple submitters, no conflicts (2 of 4 stars). 3 submissions from 3 submitters: Uncertain significance (3). Last evaluated 2025-10-27.

Conditions:
Colorectal cancer, hereditary nonpolyposis, type 7. Identifiers: Orphanet 144, MedGen C1858380, MONDO:0013725, OMIM 614385.

Allele frequency attached by ClinVar (database versions not stated): TOPMed 0.00002; gnomAD 0.00004; ExAC 0.00006; ESP Exome Variant Server 0.00008.
gnomAD v4.1: 24 of 1,614,076 alleles (0.0015%); highest among the groups gnomAD compares: Non-Finnish European, 0.0019%; no homozygotes.

Submissions (3):

Ambry Genetics
Classification: Uncertain significance. Last evaluated: 2025-10-27. Review status: criteria provided, single submitter. Criteria: Ambry Variant Classification Scheme 2023. Collection method: clinical testing. Allele origin: germline.

Labcorp Genetics (formerly Invitae), Labcorp
Classification: Uncertain significance for Colorectal cancer, hereditary nonpolyposis, type 7. Last evaluated: 2025-06-04. Review status: criteria provided, single submitter. Criteria: Invitae Variant Classification Sherloc (09022015). Collection method: clinical testing. Allele origin: germline.
Comment: This sequence change replaces proline, which is neutral and non-polar, with serine, which is neutral and polar, at codon 1109 of the MLH3 protein (p.Pro1109Ser). This variant is present in population databases (rs140997957, gnomAD 0.009%). This variant has not been reported in the literature in individuals affected with MLH3-related conditions. ClinVar contains an entry for this variant (Variation ID: 1469302). An algorithm developed to predict the effect of missense changes on protein structure and function (PolyPhen-2) suggests that this variant is likely to be disruptive. In summary, the available evidence is currently insufficient to determine the role of this variant in disease. Therefore, it has been classified as a Variant of Uncertain Significance.

Mayo Clinic Laboratories, Mayo Clinic
Classification: Uncertain significance. Last evaluated: 2024-02-14. Review status: criteria provided, single submitter. Criteria: ACMG Guidelines, 2015. Collection method: clinical testing. Allele origin: germline. Observed: 1 variant allele.